The following is an entry in ClinVar:

NM_000038.6(APC):c.7595A>T (p.His2532Leu)

Gene: APC (APC regulator of Wnt signaling pathway; plus strand). Cytogenetic location: 5q22.2.
Variant type: single nucleotide variant.
Coding change: c.7595A>T on transcript NM_000038.6 (MANE Select); coding-DNA position 7595, A replaced by T.
Protein change: p.His2532Leu; replaces histidine 2532 with leucine.
Molecular consequence: missense variant.
Genome position (GRCh38, 1-based): chr5:112,843,189, A>T. VCF-style: chr5-112843189-A-T. GRCh37 (hg19) VCF-style: chr5-112178886-A-T.
Other names: c.7595A>T, p.His2532Leu (NM_001127510.3, NM_001354895.2, NM_001407450.1); c.7541A>T, p.His2514Leu (NM_001127511.3); c.7649A>T, p.His2550Leu (NM_001354896.2, NM_001407447.1, NM_001407448.1 and 1 more transcripts); c.7625A>T, p.His2542Leu (NM_001354897.2); c.7520A>T, p.His2507Leu (NM_001354898.2); c.7511A>T, p.His2504Leu (NM_001354899.2); c.7472A>T, p.His2491Leu (NM_001354900.2); c.7418A>T, p.His2473Leu (NM_001354901.2, NM_001407453.1); and 11 more; short protein forms H2403L, H2406L, H2449L, H2473L, H2504L, H2514L, H2525L, H2550L.
Identifiers: ClinVar variation 1759667 (VCV001759667.3), dbSNP rs752702756, ClinGen allele CA16037831.

ClinVar aggregate classification (germline): Uncertain significance (1 of 4 stars; one submission).

Conditions:
Hereditary cancer-predisposing syndrome. Also called: Neoplastic Syndromes, Hereditary; Tumor predisposition; Hereditary Cancer Syndrome; Hereditary neoplastic syndrome. Identifiers: Orphanet 140162, MedGen C0027672, MeSH D009386, MONDO:0015356.

Submission:

Ambry Genetics
Classification: Uncertain significance for Hereditary cancer-predisposing syndrome. Last evaluated: 2022-11-03. Review status: criteria provided, single submitter. Criteria: Ambry Variant Classification Scheme 2023. Collection method: clinical testing. Allele origin: germline.
Comment: The p.H2532L variant (also known as c.7595A>T), located in coding exon 15 of the APC gene, results from an A to T substitution at nucleotide position 7595. The histidine at codon 2532 is replaced by leucine, an amino acid with similar properties. This amino acid position is well conserved in available vertebrate species. In addition, in silico predictors for this gene do not accurately predict pathogenicity. Since supporting evidence is limited at this time, the clinical significance of this alteration remains unclear.